The following is an entry in ClinVar:

NM_001012614.2(CTBP1):c.1191C>A (p.Ser397=)

Genes: CTBP1 (C-terminal binding protein 1; minus strand), CTBP1-AS (CTBP1 antisense RNA; plus strand). Cytogenetic location: 4p16.3.
Variant type: single nucleotide variant.
Coding change: c.1191C>A on transcript NM_001012614.2 (MANE Select); coding-DNA position 1191, C replaced by A.
Protein change: p.Ser397=; no amino-acid change (serine 397 retained).
Molecular consequence: synonymous variant. On other transcripts: non-coding transcript variant (1).
Genome position (GRCh38, 1-based): chr4:1,212,339, G>T on the plus strand (C>A on the coding strand, the complement: CTBP1 is on the minus strand). VCF-style: chr4-1212339-G-T. GRCh37 (hg19) VCF-style: chr4-1206127-G-T.
Other names: c.1224C>A, p.Ser408= (NM_001328.3); c.1227C>A, p.Ser409= (NM_001377186.1); c.1194C>A, p.Ser398= (NM_001377187.1, NM_001377188.1, NM_001377189.1 and 1 more transcripts); c.1191C>A, p.Ser397= (NM_001377191.1, NM_001377192.1, NM_001377193.1).
Identifiers: ClinVar variation 1531223 (VCV001531223.33), dbSNP rs137891531, ClinGen allele CA2804157.

ClinVar aggregate classification (germline): Benign/Likely benign. Review status: criteria provided, multiple submitters, no conflicts (2 of 4 stars). 2 submissions from 2 submitters: Benign (1); Likely benign (1). Last evaluated 2025-07-02.

Allele frequency attached by ClinVar (database versions not stated): gnomAD exomes 0.00026 and 0.00051; gnomAD 0.00003 and 0.00020; TOPMed 0.00005; ESP Exome Variant Server 0.00015; 1000 Genomes Project 0.00080; 1000 Genomes Project 30x 0.00109; ExAC 0.00113.
gnomAD v4.1: 385 of 1,519,808 alleles (0.025%); highest among the groups gnomAD compares: South Asian, 0.37%; 2 homozygotes.

Submissions (2):

Labcorp Genetics (formerly Invitae), Labcorp
Classification: Benign. Last evaluated: 2025-07-02. Review status: criteria provided, single submitter. Criteria: Invitae Variant Classification Sherloc (09022015). Collection method: clinical testing. Allele origin: germline.

CeGaT Center for Human Genetics Tuebingen
Classification: Likely benign. Last evaluated: 2024-12-01. Review status: criteria provided, single submitter. Criteria: CeGaT Center For Human Genetics Tuebingen Variant Classification Criteria Version 2. Collection method: clinical testing. Allele origin: germline. Affected: yes. Observed: 2 variant alleles.
Comment: CTBP1: BP4, BP7, BS1